The following is an entry in ClinVar:

NM_007194.4(CHEK2):c.1316A>G (p.Gln439Arg)

Gene: CHEK2 (checkpoint kinase 2; minus strand). Cytogenetic location: 22q12.1.
Variant type: single nucleotide variant.
Coding change: c.1316A>G on transcript NM_007194.4 (MANE Select); coding-DNA position 1316, A replaced by G.
Protein change: p.Gln439Arg; replaces glutamine 439 with arginine.
Molecular consequence: missense variant.
Genome position (GRCh38, 1-based): chr22:28,695,186, T>C on the plus strand (A>G on the coding strand, the complement: CHEK2 is on the minus strand). VCF-style: chr22-28695186-T-C. GRCh37 (hg19) VCF-style: chr22-29091174-T-C.
Other names: c.1445A>G, p.Gln482Arg (NM_001005735.3); c.653A>G, p.Gln218Arg (NM_001257387.3); c.1115A>G, p.Gln372Arg (NM_001349956.3); c.1229A>G, p.Gln410Arg (NM_145862.3); short protein forms Q218R, Q439R, Q482R, Q410R, Q372R.
Identifiers: ClinVar variation 664899 (VCV000664899.13), dbSNP rs1467664274, ClinGen allele CA411095971.
Genomic context (GRCh38, chr22:28,695,186, plus strand): 5'-CCTTTCTCTGAGACTTCTGCCCAGACTTCAGGAATGAAGTTGTATTTTCCACTGGTGATC[T>C]GATCCTTCAGTGACACTTGAGTCCTATGCTCAGAGAAAGGTGGATACCCACTAAGGCTTA-3'
Protein context (NP_009125.1, residues 429-449): EHRTQVSLKD[Gln439Arg]ITSGKYNFIP

ClinVar aggregate classification (germline): Uncertain significance. Review status: criteria provided, multiple submitters, no conflicts (2 of 4 stars). 3 submissions from 3 submitters: Uncertain significance (3). Last evaluated 2025-10-18.

Conditions:
Hereditary cancer-predisposing syndrome. Also called: Tumor predisposition; Hereditary neoplastic syndrome; Neoplastic Syndromes, Hereditary; Hereditary Cancer Syndrome. Identifiers: Orphanet 140162, MedGen C0027672, MeSH D009386, MONDO:0015356.
Familial cancer of breast. Also called: BREAST CANCER, FAMILIAL; hereditary breast carcinoma; Hereditary breast cancer. Identifiers: Orphanet 227535, MedGen C0346153, MONDO:0016419, OMIM 114480. Disease mechanism: loss of function.

Allele frequency attached by ClinVar (database versions not stated): TOPMed below 0.00001; gnomAD 0.00001.
gnomAD v4.1: 1 of 1,613,464 alleles (0.000062%); highest among the groups gnomAD compares: East Asian, 0.0022%; no homozygotes.

Submissions (3):

Quest Diagnostics Nichols Institute San Juan Capistrano
Classification: Uncertain significance. Last evaluated: 2025-10-18. Review status: criteria provided, single submitter. Criteria: Quest Diagnostics criteria. Collection method: clinical testing. Allele origin: unknown.
Comment: The CHEK2 c.1316A>G (p.Gln439Arg) variant has not been reported in individuals with CHEK2-related conditions in the published literature. This variant has not been reported in large, multi-ethnic general populations (Genome Aggregation Database). Analysis of this variant using bioinformatics tools for the prediction of the effect of amino acid changes on protein structure and function yielded predictions that this variant is damaging. Based on the available information, we are unable to determine the clinical significance of this variant.

Ambry Genetics
Classification: Uncertain significance for Hereditary cancer-predisposing syndrome. Last evaluated: 2025-08-22. Review status: criteria provided, single submitter. Criteria: Ambry Variant Classification Scheme 2023. Collection method: clinical testing. Allele origin: germline.
Comment: The p.Q439R variant (also known as c.1316A>G), located in coding exon 11 of the CHEK2 gene, results from an A to G substitution at nucleotide position 1316. The glutamine at codon 439 is replaced by arginine, an amino acid with highly similar properties. This amino acid position is highly conserved in available vertebrate species. In addition, this alteration is predicted to be deleterious by in silico analysis. Since supporting evidence is limited at this time, the clinical significance of this alteration remains unclear.

Labcorp Genetics (formerly Invitae), Labcorp
Classification: Uncertain significance for Familial cancer of breast. Last evaluated: 2024-04-22. Review status: criteria provided, single submitter. Criteria: Invitae Variant Classification Sherloc (09022015). Collection method: clinical testing. Allele origin: germline.
Comment: This sequence change replaces glutamine, which is neutral and polar, with arginine, which is basic and polar, at codon 439 of the CHEK2 protein (p.Gln439Arg). This variant is not present in population databases (gnomAD no frequency). This variant has not been reported in the literature in individuals affected with CHEK2-related conditions. ClinVar contains an entry for this variant (Variation ID: 664899). An algorithm developed to predict the effect of missense changes on protein structure and function (PolyPhen-2) suggests that this variant is likely to be disruptive. In summary, the available evidence is currently insufficient to determine the role of this variant in disease. Therefore, it has been classified as a Variant of Uncertain Significance.